The following is an entry in ClinVar:

ClinVar aggregate classification (germline): Likely pathogenic (1 of 4 stars; one submission).

Submission:

Quest Diagnostics Nichols Institute San Juan Capistrano
Classification: Likely pathogenic. Last evaluated: 2023-10-22. Review status: criteria provided, single submitter. Criteria: Quest Diagnostics criteria. Collection method: clinical testing. Allele origin: unknown.
Comment: The EGFR c.2146_2159del (p.Lys716Argfs*8) variant alters the translational reading frame of the EGFR mRNA and is predicted to cause the premature termination of EGFR protein synthesis. This variant has not been reported in individuals with EGFR-related conditions in the published literature. This variant has not been reported in large, multi-ethnic general populations (Genome Aggregation Database). Based on the available information, this variant is classified as likely pathogenic.

NM_005228.5(EGFR):c.2146_2159del (p.Lys716fs)

Gene: EGFR (epidermal growth factor receptor; plus strand). Cytogenetic location: 7p11.2.
Variant type: Deletion.
Coding change: c.2146_2159del on transcript NM_005228.5 (MANE Select); coding-DNA positions 2146 to 2159, 14 bases deleted (AAAGTGCTGGGCTC).
Protein change: p.Lys716fs; shifts the reading frame from lysine 716.
Molecular consequence: frameshift variant.
Genome position (GRCh38, 1-based): chr7:55,174,005-55,174,018, AAAGTGCTGGGCTC deleted; deleting any 14 consecutive bases within chr7:55,174,003-55,174,018 gives the same sequence; the c. name uses the placement nearest the transcript's 3' end. VCF-style (leftmost placement, unchanged base first): chr7-55174002-ATCAAAGTGCTGGGC-A. GRCh37 (hg19) VCF-style: chr7-55241695-ATCAAAGTGCTGGGC-A.
Other names: c.2011_2024del, p.Lys671fs (NM_001346897.2, NM_001346899.2); c.2146_2159del, p.Lys716fs (NM_001346898.2); c.1987_2000del, p.Lys663fs (NM_001346900.2); c.1345_1358del, p.Lys449fs (NM_001346941.2); short protein forms K449fs, K671fs, K716fs, K663fs.
Identifiers: ClinVar variation 3572242 (VCV003572242.1).